The following is an entry in ClinVar:

ClinVar aggregate classification (germline): Uncertain significance (1 of 4 stars; one submission).

Conditions:
TTC21B-related disorder. Also called: TTC21B-related condition; TTC21B-related disorders.

Submission:

PreventionGenetics, part of Exact Sciences
Classification: Uncertain significance for TTC21B-related condition. Last evaluated: 2025-04-15. Review status: criteria provided, single submitter. Criteria: ACMG Guidelines, 2015. Collection method: clinical testing. Allele origin: germline.
Comment: The TTC21B c.3886C>A variant is predicted to result in the amino acid substitution p.His1296Asn. To our knowledge, this variant has not been reported in the literature or in a large population database (gnomAD), indicating this variant is rare. At this time, the clinical significance of this variant is uncertain due to the absence of conclusive functional and genetic evidence.

NM_024753.5(TTC21B):c.3886C>A (p.His1296Asn)

Gene: TTC21B (tetratricopeptide repeat domain 21B; minus strand). Cytogenetic location: 2q24.3.
Variant type: single nucleotide variant.
Coding change: c.3886C>A on transcript NM_024753.5 (MANE Select); coding-DNA position 3886, C replaced by A.
Protein change: p.His1296Asn; replaces histidine 1296 with asparagine.
Molecular consequence: missense variant.
Genome position (GRCh38, 1-based): chr2:165,874,820, G>T on the plus strand (C>A on the coding strand, the complement: TTC21B is on the minus strand). VCF-style: chr2-165874820-G-T. GRCh37 (hg19) VCF-style: chr2-166731330-G-T.
Other names: short protein forms H1296N.
Identifiers: ClinVar variation 4999859 (VCV004999859.1).